The following is an entry in ClinVar:

NM_001903.5(CTNNA1):c.239C>G (p.Ala80Gly)

Gene: CTNNA1 (catenin alpha 1; plus strand). Cytogenetic location: 5q31.2.
Variant type: single nucleotide variant.
Coding change: c.239C>G on transcript NM_001903.5 (MANE Select); coding-DNA position 239, C replaced by G.
Protein change: p.Ala80Gly; replaces alanine 80 with glycine.
Molecular consequence: missense variant. On other transcripts: intron variant (2).
Genome position (GRCh38, 1-based): chr5:138,783,310, C>G. VCF-style: chr5-138783310-C-G. GRCh37 (hg19) VCF-style: chr5-138118999-C-G.
Other names: c.239C>G, p.Ala80Gly (NM_001290307.3, NM_001323982.2, NM_001323983.1 and 3 more transcripts); c.-6+38C>G (NM_001290310.3); c.-9+1281C>G (NM_001290309.3); short protein forms A80G.
Identifiers: ClinVar variation 654788 (VCV000654788.12), dbSNP rs200135015, ClinGen allele CA361477571.
Genomic context (GRCh38, chr5:138,783,310, plus strand): 5'-TTTTGGCTGCATCTGTTGAACAAGCAACTGAGAATTTCTTGGAGAAGGGGGATAAAATTG[C>G]GAAGGAGAGCCAGTTTCTCAAGGAGGAGCTTGTGGCTGCTGTAGAAGATGTTCGAAAACA-3'
Protein context (NP_001894.2, residues 70-90): ENFLEKGDKI[Ala80Gly]KESQFLKEEL

ClinVar aggregate classification (germline): Uncertain significance. Review status: criteria provided, multiple submitters, no conflicts (2 of 4 stars). 2 submissions from 2 submitters: Uncertain significance (2). Last evaluated 2024-12-30.

Conditions:
Hereditary cancer-predisposing syndrome. Also called: Hereditary neoplastic syndrome; Tumor predisposition; Neoplastic Syndromes, Hereditary; Hereditary Cancer Syndrome. Identifiers: Orphanet 140162, MedGen C0027672, MeSH D009386, MONDO:0015356.

Allele frequency attached by ClinVar (database versions not stated): TOPMed 0.00001.
gnomAD v4.1: 3 of 1,613,828 alleles (0.00019%); highest among the groups gnomAD compares: Non-Finnish European, 0.00025%; no homozygotes.

Submissions (2):

Labcorp Genetics (formerly Invitae), Labcorp
Classification: Uncertain significance. Last evaluated: 2024-12-30. Review status: criteria provided, single submitter. Criteria: Invitae Variant Classification Sherloc (09022015). Collection method: clinical testing. Allele origin: germline.
Comment: This sequence change replaces alanine, which is neutral and non-polar, with glycine, which is neutral and non-polar, at codon 80 of the CTNNA1 protein (p.Ala80Gly). This variant is not present in population databases (gnomAD no frequency). This variant has not been reported in the literature in individuals affected with CTNNA1-related conditions. ClinVar contains an entry for this variant (Variation ID: 654788). Invitae Evidence Modeling of protein sequence and biophysical properties (such as structural, functional, and spatial information, amino acid conservation, physicochemical variation, residue mobility, and thermodynamic stability) indicates that this missense variant is expected to disrupt CTNNA1 protein function with a positive predictive value of 80%. In summary, the available evidence is currently insufficient to determine the role of this variant in disease. Therefore, it has been classified as a Variant of Uncertain Significance.

Ambry Genetics
Classification: Uncertain significance for Hereditary cancer-predisposing syndrome. Last evaluated: 2024-05-09. Review status: criteria provided, single submitter. Criteria: Ambry Variant Classification Scheme 2023. Collection method: clinical testing. Allele origin: germline.
Comment: The p.A80G variant (also known as c.239C>G), located in coding exon 2 of the CTNNA1 gene, results from a C to G substitution at nucleotide position 239. The alanine at codon 80 is replaced by glycine, an amino acid with similar properties. This amino acid position is highly conserved in available vertebrate species. In addition, the in silico prediction for this alteration is inconclusive. The evidence for this gene-disease relationship is limited; therefore, the clinical significance of this alteration is unclear.